The following is an entry in ClinVar:

ClinVar aggregate classification (germline): Conflicting classifications of pathogenicity. Review status: criteria provided, conflicting classifications (1 of 4 stars). 2 submissions from 2 submitters: Uncertain significance (1); Likely benign (1). Last evaluated 2025-01-23.

Conditions:
Hereditary cancer-predisposing syndrome. Also called: Hereditary Cancer Syndrome; Neoplastic Syndromes, Hereditary; Hereditary neoplastic syndrome; Tumor predisposition. Identifiers: Orphanet 140162, MedGen C0027672, MeSH D009386, MONDO:0015356.
POLD1-related polyposis and colorectal cancer syndrome (CRCS10). Also called: COLORECTAL CANCER, SUSCEPTIBILITY TO, ON CHROMOSOME 19q; Colorectal cancer 10; Colorectal cancer, susceptibility to, 10. Identifiers: Orphanet 220460, MedGen C2675481, MONDO:0012953, OMIM 612591.

Submissions (2):

Labcorp Genetics (formerly Invitae), Labcorp
Classification: Uncertain significance for POLD1-related polyposis and colorectal cancer syndrome. Last evaluated: 2025-01-23. Review status: criteria provided, single submitter. Criteria: Invitae Variant Classification Sherloc (09022015). Collection method: clinical testing. Allele origin: germline.
Comment: This sequence change replaces asparagine, which is neutral and polar, with lysine, which is basic and polar, at codon 662 of the POLD1 protein (p.Asn662Lys). This variant is not present in population databases (gnomAD no frequency). This variant has not been reported in the literature in individuals affected with POLD1-related conditions. ClinVar contains an entry for this variant (Variation ID: 239263). Invitae Evidence Modeling of protein sequence and biophysical properties (such as structural, functional, and spatial information, amino acid conservation, physicochemical variation, residue mobility, and thermodynamic stability) indicates that this missense variant is not expected to disrupt POLD1 protein function with a negative predictive value of 80%. In summary, the available evidence is currently insufficient to determine the role of this variant in disease. Therefore, it has been classified as a Variant of Uncertain Significance.

Ambry Genetics
Classification: Likely benign for Hereditary cancer-predisposing syndrome. Last evaluated: 2024-11-08. Review status: criteria provided, single submitter. Criteria: Ambry Variant Classification Scheme 2023. Collection method: clinical testing. Allele origin: germline.

NM_002691.4(POLD1):c.1986C>A (p.Asn662Lys)

Gene: POLD1 (DNA polymerase delta 1, catalytic subunit; plus strand). Cytogenetic location: 19q13.33.
Variant type: single nucleotide variant.
Coding change: c.1986C>A on transcript NM_002691.4 (MANE Select); coding-DNA position 1986, C replaced by A.
Protein change: p.Asn662Lys; replaces asparagine 662 with lysine.
Molecular consequence: missense variant. On other transcripts: non-coding transcript variant (1).
Genome position (GRCh38, 1-based): chr19:50,409,215, C>A. VCF-style: chr19-50409215-C-A. GRCh37 (hg19) VCF-style: chr19-50912472-C-A.
Other names: c.1986C>A, p.Asn662Lys (NM_001256849.1); c.2064C>A, p.Asn688Lys (NM_001308632.1); c.1986C>A (NM_002691.2); short protein forms N662K, N688K.
Identifiers: ClinVar variation 239263 (VCV000239263.11), dbSNP rs878854530, ClinGen allele CA10583836.